The following is an entry in ClinVar:

NM_000535.7(PMS2):c.762G>C (p.Glu254Asp)

Gene: PMS2 (PMS1 homolog 2, mismatch repair system component; minus strand). Cytogenetic location: 7p22.1.
Variant type: single nucleotide variant.
Coding change: c.762G>C on transcript NM_000535.7 (MANE Select); coding-DNA position 762, G replaced by C.
Protein change: p.Glu254Asp; replaces glutamic acid 254 with aspartic acid.
Molecular consequence: missense variant. On other transcripts: 5 prime UTR variant (2), non-coding transcript variant (1), intron variant (3).
Genome position (GRCh38, 1-based): chr7:5,997,367, C>G on the plus strand (G>C on the coding strand, the complement: PMS2 is on the minus strand). VCF-style: chr7-5997367-C-G. GRCh37 (hg19) VCF-style: chr7-6036998-C-G.
Other names: c.762G>C, p.Glu254Asp (NM_001322006.2, NM_001322014.2, NM_001406870.1 and 3 more transcripts); c.444G>C, p.Glu148Asp (NM_001322007.2, NM_001322008.2, NM_001406883.1 and 4 more transcripts); c.357G>C, p.Glu119Asp (NM_001322009.2, NM_001322010.2, NM_001406887.1 and 19 more transcripts); c.-172G>C (NM_001322011.2, NM_001322012.2); c.189G>C, p.Glu63Asp (NM_001322013.2, NM_001406909.1); c.453G>C, p.Glu151Asp (NM_001322015.2, NM_001406878.1, NM_001406879.1 and 6 more transcripts); c.948G>C, p.Glu316Asp (NM_001406866.1); c.594G>C, p.Glu198Asp (NM_001406884.1, NM_001406874.1); and 7 more; short protein forms E198D, E262D, E148D, E142D, E254D, E83D, E119D, E151D.
Identifiers: ClinVar variation 5026929 (VCV005026929.1).

ClinVar aggregate classification (germline): Uncertain significance (1 of 4 stars; one submission).

Conditions:
Hereditary cancer-predisposing syndrome. Also called: Neoplastic Syndromes, Hereditary; Tumor predisposition; Hereditary neoplastic syndrome; Hereditary Cancer Syndrome. Identifiers: Orphanet 140162, MedGen C0027672, MeSH D009386, MONDO:0015356.

Submission:

Ambry Genetics
Classification: Uncertain significance for Hereditary cancer-predisposing syndrome. Last evaluated: 2026-07-27. Review status: criteria provided, single submitter. Criteria: Ambry Variant Classification Scheme 2023. Collection method: clinical testing. Allele origin: germline.
Comment: The p.E254D variant (also known as c.762G>C), located in coding exon 7 of the PMS2 gene, results from a G to C substitution at nucleotide position 762. The glutamic acid at codon 254 is replaced by aspartic acid, an amino acid with highly similar properties. This amino acid position is conserved. In addition, the in silico prediction for this alteration is inconclusive. Based on the available evidence, the clinical significance of this variant remains unclear.